The following is an entry in ClinVar:

NM_001164665.2(KIAA1549):c.3009C>T (p.Ser1003=)

Gene: KIAA1549 (KIAA1549; minus strand). Cytogenetic location: 7q34.
Variant type: single nucleotide variant.
Coding change: c.3009C>T on transcript NM_001164665.2 (MANE Select); coding-DNA position 3009, C replaced by T.
Protein change: p.Ser1003=; no amino-acid change (serine 1003 retained).
Molecular consequence: synonymous variant.
Genome position (GRCh38, 1-based): chr7:138,911,282, G>A on the plus strand (C>T on the coding strand, the complement: KIAA1549 is on the minus strand). VCF-style: chr7-138911282-G-A. GRCh37 (hg19) VCF-style: chr7-138596028-G-A.
Other names: c.3009C>T, p.Ser1003= (NM_020910.3); c.3009C>T (NM_001164665.1).
Identifiers: ClinVar variation 1639251 (VCV001639251.10), dbSNP rs374262068, ClinGen allele CA4506341.

ClinVar aggregate classification (germline): Likely benign. Review status: criteria provided, single submitter (1 of 4 stars). 2 submissions from 2 submitters: Likely benign (1). 1 of the submissions does not count toward it. Last evaluated 2025-04-11.

Conditions:
KIAA1549-related disorder. Also called: KIAA1549-related condition.

Allele frequency attached by ClinVar (database versions not stated): gnomAD 0.00003 and 0.00004; gnomAD exomes 0.00003; ExAC 0.00004; ESP Exome Variant Server 0.00008.
gnomAD v4.1: 68 of 1,601,918 alleles (0.0042%); highest among the groups gnomAD compares: Admixed American, 0.0068%; no homozygotes.

Submissions (2):

Labcorp Genetics (formerly Invitae), Labcorp
Classification: Likely benign. Last evaluated: 2025-04-11. Review status: criteria provided, single submitter. Criteria: Invitae Variant Classification Sherloc (09022015). Collection method: clinical testing. Allele origin: germline.

PreventionGenetics, part of Exact Sciences
Classification: Likely benign for KIAA1549-related condition. Last evaluated: 2019-07-11. Review status: no assertion criteria provided. Collection method: clinical testing. Allele origin: germline. Not counted in ClinVar's aggregate classification.
Comment: This variant is classified as likely benign based on ACMG/AMP sequence variant interpretation guidelines (Richards et al. 2015 PMID: 25741868, with internal and published modifications).